The following is an entry in ClinVar:

NM_006031.6(PCNT):c.1900G>A (p.Glu634Lys)

Gene: PCNT (pericentrin; plus strand). Cytogenetic location: 21q22.3.
Variant type: single nucleotide variant.
Coding change: c.1900G>A on transcript NM_006031.6 (MANE Select); coding-DNA position 1900, G replaced by A.
Protein change: p.Glu634Lys; replaces glutamic acid 634 with lysine.
Molecular consequence: missense variant.
Genome position (GRCh38, 1-based): chr21:46,355,590, G>A. VCF-style: chr21-46355590-G-A. GRCh37 (hg19) VCF-style: chr21-47775505-G-A.
Other names: c.1546G>A, p.Glu516Lys (NM_001315529.2); short protein forms E634K, E516K.
Identifiers: ClinVar variation 2894679 (VCV002894679.3), dbSNP rs1286565284, ClinGen allele CA410564038.
Genomic context (GRCh38, chr21:46,355,590, plus strand): 5'-ATCCAGCACGAGGGGCATGTCTCAGACAGATGCTGCGTAGAGACTTCAGCATTGGGACAC[G>A]AGTGGCGTCTGGAACCCTCTGAAGGGCACAGCCAAGGTGGGCCCCTCCCGCCTCGCCATG-3'
Protein context (NP_006022.3, residues 624-644): CCVETSALGH[Glu634Lys]WRLEPSEGHS

ClinVar aggregate classification (germline): Uncertain significance (1 of 4 stars; one submission).

Allele frequency attached by ClinVar (database versions not stated): gnomAD 0.00001; TOPMed 0.00001.

Submission:

Labcorp Genetics (formerly Invitae), Labcorp
Classification: Uncertain significance. Last evaluated: 2024-10-15. Review status: criteria provided, single submitter. Criteria: Invitae Variant Classification Sherloc (09022015). Collection method: clinical testing. Allele origin: germline.
Comment: This sequence change replaces glutamic acid, which is acidic and polar, with lysine, which is basic and polar, at codon 634 of the PCNT protein (p.Glu634Lys). This variant is present in population databases (no rsID available, gnomAD 0.006%). This variant has not been reported in the literature in individuals affected with PCNT-related conditions. An algorithm developed to predict the effect of missense changes on protein structure and function (PolyPhen-2) suggests that this variant is likely to be tolerated. In summary, the available evidence is currently insufficient to determine the role of this variant in disease. Therefore, it has been classified as a Variant of Uncertain Significance.